The following is an entry in ClinVar:

NM_004086.3(COCH):c.1624T>C (p.Cys542Arg)

Genes: COCH (cochlin; plus strand), COCH-AS1 (COCH antisense RNA 1; minus strand). Cytogenetic location: 14q12.
Variant type: single nucleotide variant.
Coding change: c.1624T>C on transcript NM_004086.3 (MANE Select); coding-DNA position 1624, T replaced by C.
Protein change: p.Cys542Arg; replaces cysteine 542 with arginine.
Molecular consequence: missense variant. On other transcripts: non-coding transcript variant (1).
Genome position (GRCh38, 1-based): chr14:30,889,762, T>C. VCF-style: chr14-30889762-T-C. GRCh37 (hg19) VCF-style: chr14-31358968-T-C.
Other names: c.1624T>C, p.Cys542Arg (NM_001135058.2); c.1819T>C, p.Cys607Arg (NM_001347720.2); short protein forms C542R, C607R.
Identifiers: ClinVar variation 1185584 (VCV001185584.6), dbSNP rs1213152015, ClinGen allele CA389349738.
Genomic context (GRCh38, chr14:30,889,762, plus strand): 5'-TTCTTCACAAGAGAGTTCACAGGATTAGAACCAATTGTTTCTGATGTCATCAGAGGCATT[T>C]GTAGAGATTTCTTAGAATCCCAGCAATAATGGTAACATTTTGACAACTGAAAGAAAAAGT-3'
Protein context (NP_004077.1, residues 532-550): PIVSDVIRGI[Cys542Arg]RDFLESQQ

ClinVar aggregate classification (germline): Pathogenic. Review status: criteria provided, multiple submitters, no conflicts (2 of 4 stars). 2 submissions from 2 submitters: Pathogenic (2). Last evaluated 2022-03-14.

Conditions:
Bilateral sensorineural hearing impairment. Also called: Bilateral sensorineural hearing loss. Identifiers: MedGen C0452138, HP:0008619.

Allele frequency attached by ClinVar (database versions not stated): gnomAD exomes below 0.00001.
gnomAD v4.1: 1 of 1,610,838 alleles (0.000062%); highest among the groups gnomAD compares: South Asian, 0.0011%; no homozygotes.

Submissions (2):

Labcorp Genetics (formerly Invitae), Labcorp
Classification: Pathogenic. Last evaluated: 2022-03-14. Review status: criteria provided, single submitter. Criteria: Invitae Variant Classification Sherloc (09022015). Collection method: clinical testing. Allele origin: germline.
Comment: ClinVar contains an entry for this variant (Variation ID: 1185584). For these reasons, this variant has been classified as Pathogenic. This variant disrupts the p.Cys542 amino acid residue in COCH. Other variant(s) that disrupt this residue have been determined to be pathogenic (PMID: 16261627). This suggests that this residue is clinically significant, and that variants that disrupt this residue are likely to be disease-causing. Algorithms developed to predict the effect of missense changes on protein structure and function (SIFT, PolyPhen-2, Align-GVGD) all suggest that this variant is likely to be disruptive. This missense change has been observed in individuals with autosomal dominant deafness (PMID: 25780252, 34652575). It has also been observed to segregate with disease in related individuals. This variant is present in population databases (no rsID available, gnomAD 0.003%). This sequence change replaces cysteine, which is neutral and slightly polar, with arginine, which is basic and polar, at codon 542 of the COCH protein (p.Cys542Arg).

Laboratory of Human Genetics, Institute of Biosciences - University of Sao Paulo
Classification: Pathogenic for Bilateral sensorineural hearing impairment. Review status: criteria provided, single submitter. Criteria: ClinGen HL ACMG Specifications v1. Collection method: research. Allele origin: germline. Affected: yes. Observed: 7 heterozygotes. Clinical features observed: Postlingual sensorineural hearing impairment (HP:0008596), Progressive sensorineural hearing impairment (HP:0000408). Segregation with disease observed.
Comment: pathogenic missense heterozygous variant was found to segregate with HL in seven members of the same family

Literature cited by the submitters: PubMed 16261627 (cited by Labcorp Genetics (formerly Invitae), Labcorp); PubMed 25780252 (cited by Labcorp Genetics (formerly Invitae), Labcorp); PubMed 34652575 (cited by Labcorp Genetics (formerly Invitae), Labcorp and Laboratory of Human Genetics, Institute of Biosciences - University of Sao Paulo); PubMed 19461658 (cited by Laboratory of Human Genetics, Institute of Biosciences - University of Sao Paulo).